The following is an entry in ClinVar:

NM_024312.5(GNPTAB):c.471_472del (p.Tyr158fs)

Gene: GNPTAB (N-acetylglucosamine-1-phosphate transferase subunits alpha and beta; minus strand). Cytogenetic location: 12q23.2.
Variant type: Deletion.
Coding change: c.471_472del on transcript NM_024312.5 (MANE Select); coding-DNA positions 471 to 472, 2 bases deleted (TT; older notation c.471_472delTT).
Protein change: p.Tyr158fs; shifts the reading frame from tyrosine 158.
Molecular consequence: frameshift variant.
Genome position (GRCh38, 1-based): chr12:101,786,111-101,786,112, AA deleted on the plus strand (TT on the coding strand, the reverse complement: GNPTAB is on the minus strand); deleting any 2 consecutive bases within chr12:101,786,111-101,786,113 gives the same sequence; the c. name uses the placement nearest the transcript's 3' end. VCF-style (leftmost placement, unchanged base first): chr12-101786110-TAA-T. GRCh37 (hg19) VCF-style: chr12-102179888-TAA-T.
Other names: short protein forms Y158fs.
Identifiers: ClinVar variation 4816152 (VCV004816152.1).
Genomic context (GRCh38, chr12:101,786,110, plus strand): 5'-GTAGAAGGGTTTTTTGGTTTTGCAACATTGAAAATGTCACTGGCAGAATGAAAAGAAGGA[TAA>T]AGAGATGGCAGGTCCTTCAGGGTGATGTTGGCTGGCAGGGCTGGGTCCAGGACAAGCATT-3'

ClinVar aggregate classification (germline): Pathogenic (1 of 4 stars; one submission).

Conditions:
Mucolipidosis type II. Also called: ML II ALPHA/BETA; Mucolipidosis 2; ML 2; Inclusion cell disease; Leroy Disease; N-acetylglucosamine 1phosphotransferase deficiency. Identifiers: Orphanet 576, MedGen C2673377, MONDO:0009650, OMIM 252500.

Submission:

Natera, Inc.
Classification: Pathogenic for Mucolipidosis type II. Last evaluated: 2024-06-27. Review status: criteria provided, single submitter. Criteria: Natera Variant Classification Schema (03/2026). Collection method: clinical testing. Allele origin: germline.
Comment: The c.471_472del variant in GNPTAB is a frameshift variant predicted to shift the reading frame beginning at codon 158 and leads to a stop codon 8 codons downstream. This variant is expected to result in nonsense mediated decay, truncation, or a dysfunctional protein product. This variant is rare in the general population with a frequency below the threshold expected for the associated phenotype(s). This variant has been observed in one or more individuals affected with the associated recessive disease, as either homozygous or compound heterozygous with a second variant (PMID: 28095893). Given the available evidence, this variant is classified as Pathogenic.

Literature cited by the submitters: PubMed 28095893.